The following is an entry in ClinVar:

ClinVar aggregate classification (germline): Uncertain significance. Review status: criteria provided, multiple submitters, no conflicts (2 of 4 stars). 3 submissions from 3 submitters: Uncertain significance (2). 1 of the submissions does not count toward it. Last evaluated 2024-12-14.

Conditions:
Pulmonary fibrosis and/or bone marrow failure, Telomere-related, 3. Also called: PULMONARY FIBROSIS AND/OR BONE MARROW FAILURE SYNDROME, TELOMERE-RELATED, 3. Identifiers: Orphanet 2032, MedGen C4225346, MONDO:0014613, OMIM 616373.
Dyskeratosis congenita, autosomal recessive 5 (DKCB5). Identifiers: MedGen C3554656, MONDO:0014076, OMIM 615190.
Dyskeratosis congenita. Identifiers: Orphanet 1775, MedGen C0265965, MONDO:0015780.
Inborn genetic diseases. Identifiers: MedGen C0950123, MeSH D030342.

Allele frequency attached by ClinVar (database versions not stated): gnomAD exomes below 0.00001; gnomAD 0.00002.
gnomAD v4.1: 4 of 1,612,060 alleles (0.00025%); highest among the groups gnomAD compares: African/African-American, 0.0054%; no homozygotes.

Submissions (3):

Ambry Genetics
Classification: Uncertain significance for Inborn genetic diseases. Last evaluated: 2024-12-14. Review status: criteria provided, single submitter. Criteria: Ambry Variant Classification Scheme 2023. Collection method: clinical testing. Allele origin: germline.
Comment: The p.G410C variant (also known as c.1228G>T), located in coding exon 14 of the RTEL1 gene, results from a G to T substitution at nucleotide position 1228. The glycine at codon 410 is replaced by cysteine, an amino acid with highly dissimilar properties. This amino acid position is conserved. In addition, this alteration is predicted to be tolerated by in silico analysis. Based on the available evidence, the clinical significance of this variant remains unclear.

Labcorp Genetics (formerly Invitae), Labcorp
Classification: Uncertain significance for Dyskeratosis congenita, autosomal recessive 5; Pulmonary fibrosis and/or bone marrow failure, Telomere-related, 3. Last evaluated: 2022-10-17. Review status: criteria provided, single submitter. Criteria: Invitae Variant Classification Sherloc (09022015). Collection method: clinical testing. Allele origin: germline.
Comment: This sequence change replaces glycine, which is neutral and non-polar, with cysteine, which is neutral and slightly polar, at codon 410 of the RTEL1 protein (p.Gly410Cys). This variant is not present in population databases (gnomAD no frequency). This variant has not been reported in the literature in individuals affected with RTEL1-related conditions. This variant is also known as p.Gly434Cys. ClinVar contains an entry for this variant (Variation ID: 971942). Algorithms developed to predict the effect of missense changes on protein structure and function are either unavailable or do not agree on the potential impact of this missense change (SIFT: "Deleterious"; PolyPhen-2: "Possibly Damaging"; Align-GVGD: "Class C0"). In summary, the available evidence is currently insufficient to determine the role of this variant in disease. Therefore, it has been classified as a Variant of Uncertain Significance.

Natera, Inc.
Classification: Uncertain significance for Dyskeratosis congenita. Last evaluated: 2020-04-24. Review status: no assertion criteria provided. Collection method: clinical testing. Allele origin: germline. Not counted in ClinVar's aggregate classification.

NM_001283009.2(RTEL1):c.1228G>T (p.Gly410Cys)

Genes: RTEL1 (regulator of telomere elongation helicase 1; plus strand), RTEL1-TNFRSF6B (RTEL1-TNFRSF6B readthrough (NMD candidate); plus strand). Cytogenetic location: 20q13.33.
Variant type: single nucleotide variant.
Coding change: c.1228G>T on transcript NM_001283009.2 (MANE Select); coding-DNA position 1228, G replaced by T.
Protein change: p.Gly410Cys; replaces glycine 410 with cysteine.
Molecular consequence: missense variant. On other transcripts: non-coding transcript variant (1).
Genome position (GRCh38, 1-based): chr20:63,685,559, G>T. VCF-style: chr20-63685559-G-T. GRCh37 (hg19) VCF-style: chr20-62316912-G-T.
Other names: c.559G>T, p.Gly187Cys (NM_001283010.1); c.1228G>T, p.Gly410Cys (NM_016434.4); c.1300G>T, p.Gly434Cys (NM_032957.5); short protein forms G187C, G410C, G434C.
Identifiers: ClinVar variation 971942 (VCV000971942.8), dbSNP rs866955014, ClinGen allele CA317505560.